The following is an entry in ClinVar:

NM_016929.5(CLIC5):c.407-8C>A

Gene: CLIC5 (CLIC family member 5; minus strand). Cytogenetic location: 6p21.1.
Variant type: single nucleotide variant.
Coding change: c.407-8C>A on transcript NM_016929.5 (MANE Select); 8 bases into the intron before coding-DNA position 407, C replaced by A.
Molecular consequence: intron variant. On other transcripts: non-coding transcript variant (3).
Genome position (GRCh38, 1-based): chr6:45,914,417, G>T on the plus strand (C>A on the coding strand, the complement: CLIC5 is on the minus strand). VCF-style: chr6-45914417-G-T. GRCh37 (hg19) VCF-style: chr6-45882154-G-T.
Other names: c.884-8C>A (NM_001114086.1, NM_001370650.1, NM_001114086.2); c.290-8C>A (NM_001370649.1); c.407-8C>A (NM_001256023.2).
Identifiers: ClinVar variation 1483161 (VCV001483161.10), dbSNP rs199626373, ClinGen allele CA3836780.
Genomic context (GRCh38, chr6:45,914,417, plus strand): 5'-GTTCAGGTAGTCATCCAATTTCTTTAGAGCCTTGGTTAGGCCTCTTTCAAGAGCTGGCAT[G>T]AAAGAGTAAAAGGGCCTTTATTCAAACTTCTTGCCAGTGGATACAGTCATAGGGTCTTCA-3'

ClinVar aggregate classification (germline): Conflicting classifications of pathogenicity. Review status: criteria provided, conflicting classifications (1 of 4 stars). 4 submissions from 4 submitters: Uncertain significance (2); Likely benign (2). Last evaluated 2025-04-26.

Conditions:
CLIC5-related disorder. Also called: CLIC5-related condition.

Allele frequency attached by ClinVar (database versions not stated): ExAC 0.00003; TOPMed 0.00006; ESP Exome Variant Server 0.00008; gnomAD 0.00009.
gnomAD v4.1: 76 of 1,559,160 alleles (0.0049%); highest among the groups gnomAD compares: Middle Eastern, 0.034%; no homozygotes.

Submissions (5):

PreventionGenetics, part of Exact Sciences
Classification: Likely benign for CLIC5-related condition. Last evaluated: 2025-04-26. Review status: criteria provided, single submitter. Criteria: ACMG Guidelines, 2015. Collection method: clinical testing. Allele origin: germline.
Comment: This variant is classified as likely benign based on ACMG/AMP sequence variant interpretation guidelines (Richards et al. 2015 PMID: 25741868, with internal and published modifications).

Labcorp Genetics (formerly Invitae), Labcorp
Classification: Likely benign. Last evaluated: 2024-11-27. Review status: criteria provided, single submitter. Criteria: Invitae Variant Classification Sherloc (09022015). Collection method: clinical testing. Allele origin: germline.

Blueprint Genetics
Classification: Uncertain significance. Last evaluated: 2023-04-12. Review status: criteria provided, single submitter. Criteria: ACMG Guidelines, 2015. Collection method: clinical testing. Allele origin: germline.

Breakthrough Genomics
Classification: Uncertain significance. Review status: criteria provided, single submitter. Criteria: ACMG Guidelines, 2015. Collection method: not provided. Allele origin: germline. Inheritance: Autosomal recessive inheritance. Affected: yes.

Dr. Peter K. Rogan Lab, Western University
No classification provided (evidence only). Condition: Thyroid cancer, nonmedullary, 1. Review status: no classification provided. Collection method: in vitro. Allele origin: not applicable. Functional consequence: retained intron. Not counted in ClinVar's aggregate classification.